The following is an entry in ClinVar:

NM_006445.4(PRPF8):c.6821C>T (p.Pro2274Leu)

Gene: PRPF8 (pre-mRNA processing factor 8; minus strand). Cytogenetic location: 17p13.3.
Variant type: single nucleotide variant.
Coding change: c.6821C>T on transcript NM_006445.4 (MANE Select); coding-DNA position 6821, C replaced by T.
Protein change: p.Pro2274Leu; replaces proline 2274 with leucine.
Molecular consequence: missense variant.
Genome position (GRCh38, 1-based): chr17:1,651,140, G>A on the plus strand (C>T on the coding strand, the complement: PRPF8 is on the minus strand). VCF-style: chr17-1651140-G-A. GRCh37 (hg19) VCF-style: chr17-1554434-G-A.
Other names: short protein forms P2274L.
Identifiers: ClinVar variation 808180 (VCV000808180.45), dbSNP rs1597223721, ClinGen allele CA397563680.

ClinVar aggregate classification (germline): Uncertain significance. Review status: criteria provided, multiple submitters, no conflicts (2 of 4 stars). 3 submissions from 3 submitters: Uncertain significance (3). Last evaluated 2023-12-13.

Conditions:
Retinitis pigmentosa 13 (RP13). Also called: PRPF 8-Related Retinitis Pigmentosa. Identifiers: Orphanet 791, MedGen C1838702, MONDO:0010806, OMIM 600059.

Submissions (3):

3billion
Classification: Uncertain significance for Retinitis pigmentosa 13. Last evaluated: 2023-12-13. Review status: criteria provided, single submitter. Criteria: ACMG Guidelines, 2015. Collection method: clinical testing. Allele origin: germline. Affected: yes.
Comment: The variant is not observed in the gnomAD v2.1.1 dataset. Predicted Consequence/Location: Missense changes are a common disease-causing mechanism. In silico tool predictions suggest damaging effect of the variant on gene or gene product [REVEL: 0.96 (>=0.6, sensitivity 0.68 and specificity 0.92); 3Cnet: 1.00 (>=0.6, sensitivity 0.72 and precision 0.9)]. Therefore, this variant is classified as VUS according to the recommendation of ACMG/AMP guideline.

CeGaT Center for Human Genetics Tuebingen
Classification: Uncertain significance. Last evaluated: 2019-02-01. Review status: criteria provided, single submitter. Criteria: CeGaT Center For Human Genetics Tuebingen Variant Classification Criteria Version 2. Collection method: clinical testing. Allele origin: germline. Affected: yes. Observed: 1 variant allele.

Blueprint Genetics
Classification: Uncertain significance. Last evaluated: 2017-12-19. Review status: criteria provided, single submitter. Criteria: ACMG Guidelines, 2015. Collection method: clinical testing. Allele origin: germline.